The following is an entry in ClinVar:

ClinVar aggregate classification (germline): Likely benign (1 of 4 stars; one submission).

Submission:

CeGaT Center for Human Genetics Tuebingen
Classification: Likely benign. Last evaluated: 2026-02-01. Review status: criteria provided, single submitter. Criteria: CeGaT Center For Human Genetics Tuebingen Variant Classification Criteria Version 2. Collection method: clinical testing. Allele origin: germline. Affected: yes. Observed: 1 variant allele.
Comment: SYNE1: PM2:Supporting, BP4, BP7

NM_182961.4(SYNE1):c.6261A>G (p.Leu2087=)

Gene: SYNE1 (spectrin repeat containing nuclear envelope protein 1; minus strand). Cytogenetic location: 6q25.2.
Variant type: single nucleotide variant.
Coding change: c.6261A>G on transcript NM_182961.4 (MANE Select); coding-DNA position 6261, A replaced by G.
Protein change: p.Leu2087=; no amino-acid change (leucine 2087 retained).
Molecular consequence: synonymous variant.
Genome position (GRCh38, 1-based): chr6:152,409,679, T>C on the plus strand (A>G on the coding strand, the complement: SYNE1 is on the minus strand). VCF-style: chr6-152409679-T-C. GRCh37 (hg19) VCF-style: chr6-152730814-T-C.
Other names: c.6282A>G, p.Leu2094= (NM_033071.5).
Identifiers: ClinVar variation 4823213 (VCV004823213.4).